The following is an entry in ClinVar:

ClinVar aggregate classification (germline): Benign/Likely benign. Review status: criteria provided, multiple submitters, no conflicts (2 of 4 stars). 3 submissions from 3 submitters: Benign (1); Likely benign (1). 1 of the submissions does not count toward it. Last evaluated 2018-09-16.

Conditions:
Maturity-onset diabetes of the young (MODY). Also called: Maturity onset diabetes mellitus in young. Identifiers: Orphanet 552, MedGen C0342276, MONDO:0018911, HP:0004904.

Allele frequency attached by ClinVar (database versions not stated): gnomAD exomes 0.00148; ExAC 0.00203; gnomAD 0.00547 and 0.00583; ESP Exome Variant Server 0.00564; 1000 Genomes Project 0.00579; TOPMed 0.00581; 1000 Genomes Project 30x 0.00656.
gnomAD v4.1: 1,813 of 1,602,842 alleles (0.11%); highest among the groups gnomAD compares: African/African-American, 1.9%; 15 homozygotes.

Submissions (3):

GeneDx
Classification: Likely benign. Last evaluated: 2018-09-16. Review status: criteria provided, single submitter. Criteria: GeneDx Variant Classification Process June 2021. Collection method: clinical testing. Allele origin: germline. Affected: yes.

Clinical Genomics, Uppaluri K&H Personalized Medicine Clinic
Classification: Benign for Maturity-onset diabetes of the young. Review status: criteria provided, single submitter. Criteria: K & H Uppaluri Personalized Medicine Clinic Variant Classification & Assertion Criteria_Updated V.1. Collection method: research. Allele origin: unknown. Inheritance: Autosomal dominant inheritance.
Comment: Mutations in HNF1A gene can predispose to MODY3. It is associated with both micro and macrovascular complications of diabetes, especially cardiovascular complications. Associated with glucosuria. May respond well to sulfonylureas. However, more evidence is required to confer the association of this particular variant rs56031130 with MODY3.

ITMI
No classification provided. Condition: AllHighlyPenetrant. Last evaluated: 2013-09-19. Review status: no classification provided. Collection method: reference population. Allele origin: germline. Not counted in ClinVar's aggregate classification.
Comment: Please see associated publication for description of ethnicities

Literature cited by the submitters: PubMed 31517624 (cited by Clinical Genomics, Uppaluri K&H Personalized Medicine Clinic); PubMed 32395877 (cited by Clinical Genomics, Uppaluri K&H Personalized Medicine Clinic); PubMed 35328643 (cited by Clinical Genomics, Uppaluri K&H Personalized Medicine Clinic); PubMed 35673428 (cited by Clinical Genomics, Uppaluri K&H Personalized Medicine Clinic); PubMed 24728327 (cited by ITMI).

NM_000545.8(HNF1A):c.1309+52C>T

Gene: HNF1A (HNF1 homeobox A; plus strand). Cytogenetic location: 12q24.31.
Variant type: single nucleotide variant.
Coding change: c.1309+52C>T on transcript NM_000545.8 (MANE Select); 52 bases into the intron after coding-DNA position 1309, C replaced by T.
Molecular consequence: intron variant.
Genome position (GRCh38, 1-based): chr12:120,996,794, C>T. VCF-style: chr12-120996794-C-T. GRCh37 (hg19) VCF-style: chr12-121434597-C-T.
Other names: c.1309+52C>T (NM_001306179.2).
Identifiers: ClinVar variation 133354 (VCV000133354.4), dbSNP rs56031130, ClinGen allele CA156444.